The following is an entry in ClinVar:

NM_018060.4(IARS2):c.2103T>C (p.Ala701=)

Gene: IARS2 (isoleucyl-tRNA synthetase 2, mitochondrial; plus strand). Cytogenetic location: 1q41.
Variant type: single nucleotide variant.
Coding change: c.2103T>C on transcript NM_018060.4 (MANE Select); coding-DNA position 2103, T replaced by C.
Protein change: p.Ala701=; no amino-acid change (alanine 701 retained).
Molecular consequence: synonymous variant.
Genome position (GRCh38, 1-based): chr1:220,137,971, T>C. VCF-style: chr1-220137971-T-C. GRCh37 (hg19) VCF-style: chr1-220311313-T-C.
Identifiers: ClinVar variation 728322 (VCV000728322.8), dbSNP rs760335851, ClinGen allele CA1401685.

ClinVar aggregate classification (germline): Likely benign. Review status: criteria provided, multiple submitters, no conflicts (2 of 4 stars). 2 submissions from 2 submitters: Likely benign (2). Last evaluated 2026-08-01.

Allele frequency attached by ClinVar (database versions not stated): TOPMed 0.00003; gnomAD exomes 0.00006 and 0.00016; ExAC 0.00011.
gnomAD v4.1: 39 of 1,614,166 alleles (0.0024%); highest among the groups gnomAD compares: Admixed American, 0.062%; 1 homozygote.

Submissions (2):

CeGaT Center for Human Genetics Tuebingen
Classification: Likely benign. Last evaluated: 2026-08-01. Review status: criteria provided, single submitter. Criteria: CeGaT Center For Human Genetics Tuebingen Variant Classification Criteria Version 2. Collection method: clinical testing. Allele origin: germline. Affected: yes. Observed: 2 variant alleles.
Comment: IARS2: BP4, BP7

Labcorp Genetics (formerly Invitae), Labcorp
Classification: Likely benign. Last evaluated: 2026-02-01. Review status: criteria provided, single submitter. Criteria: Invitae Variant Classification Sherloc (09022015). Collection method: clinical testing. Allele origin: germline.